The following is an entry in ClinVar:

ClinVar aggregate classification (germline): Likely pathogenic (1 of 4 stars; one submission).

Conditions:
Stromme syndrome (STROMS). Also called: APPLE PEEL SYNDROME WITH MICROCEPHALY AND OCULAR ANOMALIES; Ciliary dyskinesia, primary, 31; Strømme Syndrome. Identifiers: Orphanet 444069, Orphanet 506307, MedGen C1855705, MONDO:0009477, OMIM 243605.

Submission:

Juno Genomics, Hangzhou Juno Genomics, Inc
Classification: Likely pathogenic for Stromme syndrome. Review status: criteria provided, single submitter. Criteria: ACMG Guidelines, 2015. Collection method: clinical testing. Allele origin: germline. Affected: yes.
Comment: Absent from controls (or at extremely low frequency if recessive) in Genome Aggregation Database, Exome Sequencing Project, 1000 Genomes Project, or Exome Aggregation Consortium.;Null variant in a gene where loss of function (LOF) is a known mechanism of disease.

NM_016343.4(CENPF):c.3415C>T (p.Gln1139Ter)

Gene: CENPF (centromere protein F; plus strand). Cytogenetic location: 1q41.
Variant type: single nucleotide variant.
Coding change: c.3415C>T on transcript NM_016343.4 (MANE Select); coding-DNA position 3415, C replaced by T.
Protein change: p.Gln1139Ter; replaces glutamine 1139 with a stop codon.
Molecular consequence: nonsense.
Genome position (GRCh38, 1-based): chr1:214,641,753, C>T. VCF-style: chr1-214641753-C-T. GRCh37 (hg19) VCF-style: chr1-214815096-C-T.
Other names: short protein forms Q1139*.
Identifiers: ClinVar variation 4796559 (VCV004796559.1).